The following is an entry in ClinVar:

NM_001142864.4(PIEZO1):c.5340C>A (p.Asp1780Glu)

Gene: PIEZO1 (piezo type mechanosensitive ion channel component 1 (Er blood group); minus strand). Cytogenetic location: 16q24.3.
Variant type: single nucleotide variant.
Coding change: c.5340C>A on transcript NM_001142864.4 (MANE Select); coding-DNA position 5340, C replaced by A.
Protein change: p.Asp1780Glu; replaces aspartic acid 1780 with glutamic acid.
Molecular consequence: missense variant.
Genome position (GRCh38, 1-based): chr16:88,721,601, G>T on the plus strand (C>A on the coding strand, the complement: PIEZO1 is on the minus strand). VCF-style: chr16-88721601-G-T. GRCh37 (hg19) VCF-style: chr16-88788009-G-T.
Other names: short protein forms D1780E.
Identifiers: ClinVar variation 3257262 (VCV003257262.17).

ClinVar aggregate classification (germline): Uncertain significance (1 of 4 stars; one submission).

gnomAD v4.1: 30 of 1,550,162 alleles (0.0019%); highest among the groups gnomAD compares: Non-Finnish European, 0.0022%; no homozygotes.

Submission:

CeGaT Center for Human Genetics Tuebingen
Classification: Uncertain significance. Last evaluated: 2024-07-01. Review status: criteria provided, single submitter. Criteria: CeGaT Center For Human Genetics Tuebingen Variant Classification Criteria Version 2. Collection method: clinical testing. Allele origin: germline. Affected: yes. Observed: 1 variant allele.
Comment: PIEZO1: PM2:Supporting, BP4